The following is an entry in ClinVar:

NM_002693.3(POLG):c.2427-20C>T

Gene: POLG (DNA polymerase gamma, catalytic subunit; minus strand). Cytogenetic location: 15q26.1.
Variant type: single nucleotide variant.
Coding change: c.2427-20C>T on transcript NM_002693.3 (MANE Select); 20 bases into the intron before coding-DNA position 2427, C replaced by T.
Molecular consequence: intron variant.
Genome position (GRCh38, 1-based): chr15:89,322,035, G>A on the plus strand (C>T on the coding strand, the complement: POLG is on the minus strand). VCF-style: chr15-89322035-G-A. GRCh37 (hg19) VCF-style: chr15-89865266-G-A.
Other names: c.2427-20C>T (NM_001126131.2).
Identifiers: ClinVar variation 619365 (VCV000619365.9), dbSNP rs1567187412, ClinGen allele CA10602318.

ClinVar aggregate classification (germline): Likely benign. Review status: criteria provided, multiple submitters, no conflicts (2 of 4 stars). 2 submissions from 2 submitters: Likely benign (2). Last evaluated 2024-05-22.

Conditions:
Progressive sclerosing poliodystrophy (MTDPS4A). Also called: Alpers-Huttenlocher Syndrome (AHS); Alpers Syndrome; ALPERS PROGRESSIVE INFANTILE POLIODYSTROPHY; Mitochondrial DNA depletion syndrome 4A (Alpers type); ALPERS DIFFUSE DEGENERATION OF CEREBRAL GRAY MATTER WITH HEPATIC CIRRHOSIS; Alpers-Huttenlocher Syndrome. Identifiers: Orphanet 726, MedGen C0205710, MONDO:0008758, OMIM 203700.

Allele frequency attached by ClinVar (database versions not stated): gnomAD exomes below 0.00001; gnomAD 0.00001; TOPMed 0.00001.
gnomAD v4.1: 3 of 1,613,200 alleles (0.00019%); highest among the groups gnomAD compares: Non-Finnish European, 0.00025%; no homozygotes.

Submissions (2):

Labcorp Genetics (formerly Invitae), Labcorp
Classification: Likely benign for Progressive sclerosing poliodystrophy. Last evaluated: 2024-05-22. Review status: criteria provided, single submitter. Criteria: Invitae Variant Classification Sherloc (09022015). Collection method: clinical testing. Allele origin: germline.

Wong Mito Lab, Molecular and Human Genetics, Baylor College of Medicine
Classification: Likely benign for Progressive sclerosing poliodystrophy. Last evaluated: 2018-10-01. Review status: criteria provided, single submitter. Criteria: ACMG Guidelines, 2015. Collection method: clinical testing. Allele origin: germline.
Comment: The NM_002693.2:c.2427-20C>T (NP_002684.1:p.=) [GRCH38: NC_000015.10:g.89322035G>A] variant in POLG gene is interpretated to be a Likely Benign based on ACMG guidelines (PMID: 25741868). This variant meets the following evidence codes reported in the ACMG-guideline. BP4:Computational evidence/predictors indicate no impact on the POLG structure, function, or protein-protein interaction. BP6:Reputable source(s) without shared data suggest the variant is benign. Based on the evidence criteria codes applied, the variant is suggested to be Likely Benign.